The following is an entry in ClinVar:

ClinVar aggregate classification (germline): Likely benign (0 of 4 stars; one submission).

Conditions:
ADCY3-related disorder. Also called: ADCY3-related condition.

gnomAD v4.1: 5 of 1,614,214 alleles (0.00031%); highest among the groups gnomAD compares: Non-Finnish European, 0.00034%; no homozygotes.

Submission:

PreventionGenetics, part of Exact Sciences
Classification: Likely benign for ADCY3-related condition. Last evaluated: 2024-02-15. Review status: no assertion criteria provided. Collection method: clinical testing. Allele origin: germline.
Comment: This variant is classified as likely benign based on ACMG/AMP sequence variant interpretation guidelines (Richards et al. 2015 PMID: 25741868, with internal and published modifications).

NM_004036.5(ADCY3):c.714T>C (p.Ala238=)

Gene: ADCY3 (adenylate cyclase 3; minus strand). Cytogenetic location: 2p23.3.
Variant type: single nucleotide variant.
Coding change: c.714T>C on transcript NM_004036.5 (MANE Select); coding-DNA position 714, T replaced by C.
Protein change: p.Ala238=; no amino-acid change (alanine 238 retained).
Molecular consequence: synonymous variant. On other transcripts: 5 prime UTR variant (1).
Genome position (GRCh38, 1-based): chr2:24,872,681, A>G on the plus strand (T>C on the coding strand, the complement: ADCY3 is on the minus strand). VCF-style: chr2-24872681-A-G. GRCh37 (hg19) VCF-style: chr2-25095550-A-G.
Other names: c.714T>C, p.Ala238= (NM_001320613.2, NM_001377128.1, NM_001377129.1 and 2 more transcripts); c.-10T>C (NM_001377131.1).
Identifiers: ClinVar variation 3351602 (VCV003351602.1).